The following is an entry in ClinVar:

ClinVar aggregate classification (germline): Uncertain significance (3 of 4 stars; one submission).

Conditions:
Monogenic diabetes. Identifiers: Orphanet 183625, MedGen C3888631, MONDO:0015967.

Submission:

ClinGen Monogenic Diabetes Variant Curation Expert Panel
Classification: Uncertain significance for Monogenic diabetes. Last evaluated: 2025-10-03. Review status: reviewed by expert panel. Criteria: ClinGen Diabetes ACMG Specifications HNF1A V3.0.0. Collection method: curation. Allele origin: germline. Inheritance: Autosomal dominant inheritance.
Comment: The c.1864_1890dup variant in the HNF1 homeobox A gene, HNF1A, is a 27 base pair insertion resulting in the in-frame addition of 9 amino acids at codon 622 (p.Ile622_Ser630dup) within exon 10 of NM_000545.8. This variant is absent from gnomAD v4.1.0 (PM2_Supporting). The c.1864_1890dup variant is also predicted to change the length of the protein due an in-frame insertion of 9 amino acids in a nonrepeat region (PM4). This variant was identified in an individual with diabetes; however, the calculated MODY probability is <50%, and HNF4A was not tested; therefore, PP4 could not be applied (internal lab contributors). In summary, c.1864_1890dup meets the criteria to be classified as variant of uncertain significance for monogenic diabetes. ACMG/AMP criteria applied, as specified by the ClinGen MDEP (specification version 3.0.0 approved 6/30/2025): PM2_Supporting, PM4.

NM_000545.8(HNF1A):c.1864_1890dup (p.Ser630_Gln631insIleSerThrGlnMetAlaSerSerSer)

Genes: C12orf43 (chromosome 12 open reading frame 43; minus strand), HNF1A (HNF1 homeobox A; plus strand). Cytogenetic location: 12q24.31.
Variant type: Duplication.
Coding change: c.1864_1890dup on transcript NM_000545.8 (MANE Select); coding-DNA positions 1864 to 1890, 27 bases duplicated (ATCTCCACCCAGATGGCCTCTTCCTCC).
Protein change: p.Ser630_Gln631insIleSerThrGlnMetAlaSerSerSer.
Molecular consequence: inframe insertion. On other transcripts: 3 prime UTR variant (3).
Genome position (GRCh38, 1-based): chr12:121,001,160-121,001,186, ATCTCCACCCAGATGGCCTCTTCCTCC duplicated; duplicating any 27 consecutive bases within chr12:121,001,159-121,001,186 gives the same sequence; the c. name uses the placement nearest the transcript's 3' end. VCF-style (leftmost placement, unchanged base first): chr12-121001158-T-TCATCTCCACCCAGATGGCCTCTTCCTC. GRCh37 (hg19) VCF-style: chr12-121438961-T-TCATCTCCACCCAGATGGCCTCTTCCTC.
Other names: NM_022895.3:c.*2968_*2994dup; NM_000545.8(HNF1A):c.1864_1890dup; p.Ile622_Ser630dup; c.*2968_*2994dup (NM_001286191.2, NM_001286196.2, NM_022895.3); c.1885_1911dup, p.Ser637_Gln638insIleSerThrGlnMetAlaSerSerSer (NM_001306179.2); c.1672_1698dup, p.Ser566_Gln567insIleSerThrGlnMetAlaSerSerSer (NM_001406915.1).
Identifiers: ClinVar variation 1687077 (VCV001687077.4), dbSNP rs2135854764, ClinGen allele CA2573051050.